The following is an entry in ClinVar:

NM_139215.3(TAF15):c.1446T>C (p.Asp482=)

Gene: TAF15 (TATA-box binding protein associated factor 15; plus strand). Cytogenetic location: 17q12.
Variant type: single nucleotide variant.
Coding change: c.1446T>C on transcript NM_139215.3 (MANE Select); coding-DNA position 1446, T replaced by C.
Protein change: p.Asp482=; no amino-acid change (aspartic acid 482 retained).
Molecular consequence: synonymous variant.
Genome position (GRCh38, 1-based): chr17:35,844,745, T>C. VCF-style: chr17-35844745-T-C. GRCh37 (hg19) VCF-style: chr17-34171749-T-C.
Other names: p.Asp482=; c.1437T>C, p.Asp479= (NM_003487.4).
Identifiers: ClinVar variation 791200 (VCV000791200.10), dbSNP rs144910879, ClinGen allele CA290041501.

ClinVar aggregate classification (germline): Benign. Review status: criteria provided, multiple submitters, no conflicts (2 of 4 stars). 5 submissions from 5 submitters: Benign (4). 1 of the submissions does not count toward it. Last evaluated 2025-01-27.

Conditions:
TAF15-related disorder. Also called: TAF15-related condition.

Allele frequency attached by ClinVar (database versions not stated): ExAC 0.00175; gnomAD exomes 0.00130; gnomAD 0.00552 and 0.00604; ESP Exome Variant Server 0.00592; TOPMed 0.00633; 1000 Genomes Project 0.00499.

Submissions (5):

Mayo Clinic Laboratories, Mayo Clinic
Classification: Benign. Last evaluated: 2025-01-27. Review status: criteria provided, single submitter. Criteria: ACMG Guidelines, 2015. Collection method: clinical testing. Allele origin: germline. Observed: 3 variant alleles.
Comment: BS1, BS2, BP4, BP7

GeneDx
Classification: Benign. Last evaluated: 2021-02-02. Review status: criteria provided, single submitter. Criteria: GeneDx Variant Classification Process June 2021. Collection method: clinical testing. Allele origin: germline. Affected: yes.

Labcorp Genetics (formerly Invitae), Labcorp
Classification: Benign. Last evaluated: 2019-12-31. Review status: criteria provided, single submitter. Criteria: Invitae Variant Classification Sherloc (09022015). Collection method: clinical testing. Allele origin: germline.

Breakthrough Genomics
Classification: Benign. Review status: criteria provided, single submitter. Criteria: ACMG Guidelines, 2015. Collection method: not provided. Allele origin: germline. Inheritance: Unknown mechanism. Affected: yes.

PreventionGenetics, part of Exact Sciences
Classification: Benign for TAF15-related condition. Last evaluated: 2019-11-26. Review status: no assertion criteria provided. Collection method: clinical testing. Allele origin: germline. Not counted in ClinVar's aggregate classification.
Comment: This variant is classified as benign based on ACMG/AMP sequence variant interpretation guidelines (Richards et al. 2015 PMID: 25741868, with internal and published modifications).